The following is an entry in ClinVar:

NM_138420.4(AHNAK2):c.3526T>A (p.Ser1176Thr)

Gene: AHNAK2 (AHNAK nucleoprotein 2; minus strand). Cytogenetic location: 14q32.33.
Variant type: single nucleotide variant.
Coding change: c.3526T>A on transcript NM_138420.4 (MANE Select); coding-DNA position 3526, T replaced by A.
Protein change: p.Ser1176Thr; replaces serine 1176 with threonine.
Molecular consequence: missense variant.
Genome position (GRCh38, 1-based): chr14:104,951,925, A>T on the plus strand (T>A on the coding strand, the complement: AHNAK2 is on the minus strand). VCF-style: chr14-104951925-A-T. GRCh37 (hg19) VCF-style: chr14-105418262-A-T.
Other names: c.3226T>A, p.Ser1076Thr (NM_001350929.2); short protein forms S1076T, S1176T.
Identifiers: ClinVar variation 2644849 (VCV002644849.24), dbSNP rs189334378, ClinGen allele CA7382968.

ClinVar aggregate classification (germline): Benign (1 of 4 stars; one submission).

Allele frequency attached by ClinVar (database versions not stated): gnomAD 0.00904; 1000 Genomes Project 30x 0.00390; 1000 Genomes Project 0.00419; TOPMed 0.00713; ESP Exome Variant Server 0.00975; ExAC 0.00995; gnomAD exomes 0.01145.
gnomAD v4.1: 17,872 of 1,609,486 alleles (1.1%); highest among the groups gnomAD compares: Non-Finnish European, 1.3%; 196 homozygotes.

Submission:

CeGaT Center for Human Genetics Tuebingen
Classification: Benign. Last evaluated: 2026-07-01. Review status: criteria provided, single submitter. Criteria: CeGaT Center For Human Genetics Tuebingen Variant Classification Criteria Version 2. Collection method: clinical testing. Allele origin: germline. Affected: yes. Observed: 7 variant alleles.
Comment: AHNAK2: BP4, BS1, BS2